The following is an entry in ClinVar:

ClinVar aggregate classification (germline): Pathogenic (1 of 4 stars; one submission).

Submission:

Labcorp Genetics (formerly Invitae), Labcorp
Classification: Pathogenic. Last evaluated: 2022-10-14. Review status: criteria provided, single submitter. Criteria: Invitae Variant Classification Sherloc (09022015). Collection method: clinical testing. Allele origin: germline.
Comment: This sequence change creates a premature translational stop signal (p.Ile3387Phefs*5) in the USH2A gene. It is expected to result in an absent or disrupted protein product. Loss-of-function variants in USH2A are known to be pathogenic (PMID: 10729113, 10909849, 20507924, 25649381). This variant is not present in population databases (gnomAD no frequency). This variant has not been reported in the literature in individuals affected with USH2A-related conditions. For these reasons, this variant has been classified as Pathogenic.

Literature cited by the submitters: PubMed 10729113; PubMed 10909849; PubMed 20507924; PubMed 25649381.

NM_206933.4(USH2A):c.10159del (p.Ile3387fs)

Gene: USH2A (usherin; minus strand). Cytogenetic location: 1q41.
Variant type: Deletion.
Coding change: c.10159del on transcript NM_206933.4 (MANE Select); coding-DNA position 10159, one base deleted (A; older notation c.10159delA).
Protein change: p.Ile3387fs; shifts the reading frame from isoleucine 3387.
Molecular consequence: frameshift variant.
Genome position (GRCh38, 1-based): chr1:215,790,082, T deleted on the plus strand (A on the coding strand, the reverse complement: USH2A is on the minus strand). VCF-style (leftmost placement, unchanged base first): chr1-215790081-AT-A. GRCh37 (hg19) VCF-style: chr1-215963423-AT-A.
Other names: short protein forms I3387fs.
Identifiers: ClinVar variation 2418077 (VCV002418077.6), dbSNP rs2464419372, ClinGen allele CA2580062088.